The following is an entry in ClinVar:

ClinVar aggregate classification (germline): Pathogenic (1 of 4 stars; one submission).

Conditions:
Duchenne muscular dystrophy (DMD). Also called: MUSCULAR DYSTROPHY, PSEUDOHYPERTROPHIC PROGRESSIVE, DUCHENNE TYPE; Duchenne Muscular Dystrophy (DMD). Identifiers: Orphanet 98896, MedGen C0013264, MONDO:0010679, OMIM 310200.

Submission:

Labcorp Genetics (formerly Invitae), Labcorp
Classification: Pathogenic for Duchenne muscular dystrophy. Last evaluated: 2023-08-23. Review status: criteria provided, single submitter. Criteria: Invitae Variant Classification Sherloc (09022015). Collection method: clinical testing. Allele origin: unknown.
Comment: For these reasons, this variant has been classified as Pathogenic. A similar copy number variant has been observed in individuals with DMD-related muscular dystrophy (PMID: 9800909, 15841391, 16030524, 21228398, 22090376, 27206868). This variant is a gross deletion of the genomic region encompassing exon(s) 51-55 of the DMD gene. This deletion is out-of-frame, and is expected to create a premature termination codon and result in an absent or disrupted protein product. Loss-of-function variants in DMD are known to be pathogenic (PMID: 16770791, 25007885).

Literature cited by the submitters: PubMed 9800909; PubMed 15841391; PubMed 16030524; PubMed 21228398; PubMed 22090376; PubMed 27206868; PubMed 16770791; PubMed 25007885.

NC_000023.10:g.(?_31613687)_(31792329_?)del

Gene: DMD (dystrophin; minus strand). Cytogenetic location: Xp21.1.
Variant type: Deletion.
Identifiers: ClinVar variation 3248363 (VCV003248363.1).